The following is an entry in ClinVar:

NM_003239.5(TGFB3):c.754+1G>A

Gene: TGFB3 (transforming growth factor beta 3; minus strand). Cytogenetic location: 14q24.3.
Variant type: single nucleotide variant.
Coding change: c.754+1G>A on transcript NM_003239.5 (MANE Select); the canonical splice donor site of the intron after coding-DNA position 754, G replaced by A.
Molecular consequence: splice donor variant.
Genome position (GRCh38, 1-based): chr14:75,965,587, C>T on the plus strand (G>A on the coding strand, the complement: TGFB3 is on the minus strand). VCF-style: chr14-75965587-C-T. GRCh37 (hg19) VCF-style: chr14-76431930-C-T.
Other names: c.754+1G>A (NM_001329939.2, NM_001329938.2).
Identifiers: ClinVar variation 2010291 (VCV002010291.5), dbSNP rs2504102788, ClinGen allele CA390468789.

ClinVar aggregate classification (germline): Likely pathogenic. Review status: criteria provided, multiple submitters, no conflicts (2 of 4 stars). 2 submissions from 2 submitters: Likely pathogenic (2). Last evaluated 2026-08-20.

Conditions:
Rienhoff syndrome. Also called: LOEYS-DIETZ SYNDROME 5. Identifiers: MedGen C3810012, MONDO:0014262, OMIM 615582.

Submissions (2):

Clinical Genetics Laboratory, Skane University Hospital Lund
Classification: Likely pathogenic for Rienhoff syndrome. Last evaluated: 2026-08-20. Review status: criteria provided, single submitter. Criteria: ACMG Guidelines, 2015. Collection method: clinical testing. Allele origin: germline. Affected: yes.
Comment: ACMG criteria used: PVS1_Moderate, PS1, PS4_Supporting, PM2

Labcorp Genetics (formerly Invitae), Labcorp
Classification: Likely pathogenic for Rienhoff syndrome. Last evaluated: 2022-07-29. Review status: criteria provided, single submitter. Criteria: Invitae Variant Classification Sherloc (09022015). Collection method: clinical testing. Allele origin: germline.
Comment: In summary, the currently available evidence indicates that the variant is pathogenic, but additional data are needed to prove that conclusively. Therefore, this variant has been classified as Likely Pathogenic. Algorithms developed to predict the effect of sequence changes on RNA splicing suggest that this variant may disrupt the consensus splice site. This variant has not been reported in the literature in individuals affected with TGFB3-related conditions. This variant is not present in population databases (gnomAD no frequency). This sequence change affects a donor splice site in intron 4 of the TGFB3 gene. It is expected to disrupt RNA splicing. Variants that disrupt the donor or acceptor splice site typically lead to a loss of protein function (PMID: 16199547), and loss-of-function variants in TGFB3 are known to be pathogenic (PMID: 25835445, 26188975).

Literature cited by the submitters: PubMed 16199547 (cited by Labcorp Genetics (formerly Invitae), Labcorp); PubMed 25835445 (cited by Labcorp Genetics (formerly Invitae), Labcorp); PubMed 26188975 (cited by Labcorp Genetics (formerly Invitae), Labcorp).